The following is an entry in ClinVar:

NM_021831.6(AGBL5):c.1433A>G (p.Asn478Ser)

Gene: AGBL5 (AGBL carboxypeptidase 5; plus strand). Cytogenetic location: 2p23.3.
Variant type: single nucleotide variant.
Coding change: c.1433A>G on transcript NM_021831.6 (MANE Select); coding-DNA position 1433, A replaced by G.
Protein change: p.Asn478Ser; replaces asparagine 478 with serine.
Molecular consequence: missense variant. On other transcripts: non-coding transcript variant (2).
Genome position (GRCh38, 1-based): chr2:27,056,690, A>G. VCF-style: chr2-27056690-A-G. GRCh37 (hg19) VCF-style: chr2-27279558-A-G.
Other names: c.1433A>G, p.Asn478Ser (NM_001035507.3); c.1433A>G (NM_021831.5); short protein forms N478S.
Identifiers: ClinVar variation 1519049 (VCV001519049.5), dbSNP rs569562079, ClinGen allele CA1567872.

ClinVar aggregate classification (germline): Uncertain significance. Review status: criteria provided, multiple submitters, no conflicts (2 of 4 stars). 3 submissions from 3 submitters: Uncertain significance (3). Last evaluated 2025-04-03.

Conditions:
Inborn genetic diseases. Identifiers: MedGen C0950123, MeSH D030342.

Allele frequency attached by ClinVar (database versions not stated): TOPMed 0.00002; gnomAD 0.00005 and 0.00006; 1000 Genomes Project 30x 0.00016; 1000 Genomes Project 0.00020.
gnomAD v4.1: 75 of 1,613,526 alleles (0.0046%); highest among the groups gnomAD compares: South Asian, 0.03%; no homozygotes.

Submissions (3):

Ambry Genetics
Classification: Uncertain significance for Inborn genetic diseases. Last evaluated: 2025-04-03. Review status: criteria provided, single submitter. Criteria: Ambry Variant Classification Scheme 2023. Collection method: clinical testing. Allele origin: germline.

Blueprint Genetics
Classification: Uncertain significance. Last evaluated: 2023-06-22. Review status: criteria provided, single submitter. Criteria: ACMG Guidelines, 2015. Collection method: clinical testing. Allele origin: germline.

Labcorp Genetics (formerly Invitae), Labcorp
Classification: Uncertain significance. Last evaluated: 2022-09-27. Review status: criteria provided, single submitter. Criteria: Invitae Variant Classification Sherloc (09022015). Collection method: clinical testing. Allele origin: germline.
Comment: This sequence change replaces asparagine, which is neutral and polar, with serine, which is neutral and polar, at codon 478 of the AGBL5 protein (p.Asn478Ser). This variant is present in population databases (rs569562079, gnomAD 0.03%). This variant has not been reported in the literature in individuals affected with AGBL5-related conditions. ClinVar contains an entry for this variant (Variation ID: 1519049). Algorithms developed to predict the effect of missense changes on protein structure and function are either unavailable or do not agree on the potential impact of this missense change (SIFT: "Tolerated"; PolyPhen-2: "Probably Damaging"; Align-GVGD: "Class C0"). In summary, the available evidence is currently insufficient to determine the role of this variant in disease. Therefore, it has been classified as a Variant of Uncertain Significance.